The following is an entry in ClinVar:

NM_003620.4(PPM1D):c.701+1G>A

Genes: PPM1D (protein phosphatase, Mg2+/Mn2+ dependent 1D; plus strand), LOC129390907 (MPRA-validated peak2930 silencer; plus strand). Cytogenetic location: 17q23.2.
Variant type: single nucleotide variant.
Coding change: c.701+1G>A on transcript NM_003620.4 (MANE Select); the canonical splice donor site of the intron after coding-DNA position 701, G replaced by A.
Molecular consequence: splice donor variant.
Genome position (GRCh38, 1-based): chr17:60,623,750, G>A. VCF-style: chr17-60623750-G-A. GRCh37 (hg19) VCF-style: chr17-58701111-G-A.
Identifiers: ClinVar variation 4854929 (VCV004854929.1).

ClinVar aggregate classification (germline): Likely pathogenic (1 of 4 stars; one submission).

Conditions:
Intellectual developmental disorder with gastrointestinal difficulties and high pain threshold (JDVS). Also called: JANSEN-DE VRIES SYNDROME. Identifiers: Orphanet 653767, MedGen C4479517, MONDO:0044318, OMIM 617450.

Submission:

3billion
Classification: Likely pathogenic for Intellectual developmental disorder with gastrointestinal difficulties and high pain threshold. Last evaluated: 2025-07-03. Review status: criteria provided, single submitter. Criteria: ACMG Guidelines, 2015. Collection method: clinical testing. Allele origin: germline. Affected: yes.
Comment: The variant is not observed in the gnomAD v4.1.0 dataset. Predicted Consequence/Location: Canonical splice site: predicted to alter splicing and result in a loss or disruption of normal protein function. Multiple pathogenic loss-of-function variants are reported downstream of the variant. In silico tools predict the variant to alter splicing and produce an abnormal transcript [SpliceAI: 1.00 (spliceogenicity >=0.2, non-spliceogenicity <0.1)]. Therefore, this variant is classified as Likely pathogenic according to the recommendation of ACMG/AMP guideline.